The following is an entry in ClinVar:

ClinVar aggregate classification (germline): Benign. Review status: criteria provided, multiple submitters, no conflicts (2 of 4 stars). 2 submissions from 2 submitters: Benign (2). Last evaluated 2020-02-17.

Allele frequency attached by ClinVar (database versions not stated): 1000 Genomes Project 30x 0.52701; TOPMed 0.52732; 1000 Genomes Project 0.52736; gnomAD 0.53416 and 0.53912.

Submissions (2):

GeneDx
Classification: Benign. Last evaluated: 2020-02-17. Review status: criteria provided, single submitter. Criteria: GeneDx Variant Classification Process June 2021. Collection method: clinical testing. Allele origin: germline. Affected: yes.
Comment: This variant is associated with the following publications: (PMID: 30079747)

Breakthrough Genomics
Classification: Benign. Review status: criteria provided, single submitter. Criteria: ACMG Guidelines, 2015. Collection method: not provided. Allele origin: germline. Inheritance: Unknown mechanism. Affected: yes.

NM_014883.4(FAM13A):c.427+11298T>C

Gene: FAM13A (family with sequence similarity 13 member A; minus strand). Cytogenetic location: 4q22.1.
Variant type: single nucleotide variant.
Coding change: c.427+11298T>C on transcript NM_014883.4 (MANE Select); 11298 bases into the intron after coding-DNA position 427, T replaced by C.
Molecular consequence: intron variant.
Genome position (GRCh38, 1-based): chr4:89,009,162, A>G on the plus strand (T>C on the coding strand, the complement: FAM13A is on the minus strand). VCF-style: chr4-89009162-A-G. GRCh37 (hg19) VCF-style: chr4-89930313-A-G.
Identifiers: ClinVar variation 1258406 (VCV001258406.3), dbSNP rs1795739, ClinGen allele CA16192047.
Genomic context (GRCh38, chr4:89,009,162, plus strand): 5'-ACGATCTCTGAGACAGATATTTAATAAAGTCTCCACCACGAAATCATCAGATCCTACTGT[A>G]AAATTAAATTAATTAAAACTAAAAGCTGTTGGAACTTTAAATTACTTGAACCTTAAGAGA-3'